The following is an entry in ClinVar:

ClinVar aggregate classification (germline): Uncertain significance (1 of 4 stars; one submission).

Conditions:
Familial thoracic aortic aneurysm and aortic dissection (TAAD). Also called: Thoracic aortic aneurysms and dissections. Identifiers: Orphanet 91387, MedGen C4707243, MONDO:0019625.

Submission:

Ambry Genetics
Classification: Uncertain significance for Familial thoracic aortic aneurysm and aortic dissection. Last evaluated: 2026-07-07. Review status: criteria provided, single submitter. Criteria: Ambry Variant Classification Scheme 2023. Collection method: clinical testing. Allele origin: germline.
Comment: The p.K2538E variant (also known as c.7612A>G), located in coding exon 61 of the FBN1 gene, results from an A to G substitution at nucleotide position 7612. The lysine at codon 2538 is replaced by glutamic acid, an amino acid with similar properties. This amino acid position is conserved. In addition, the in silico prediction for this alteration is inconclusive. Based on the available evidence, the clinical significance of this variant remains unclear.

NM_000138.5(FBN1):c.7612A>G (p.Lys2538Glu)

Gene: FBN1 (fibrillin 1; minus strand). Cytogenetic location: 15q21.1.
Variant type: single nucleotide variant.
Coding change: c.7612A>G on transcript NM_000138.5 (MANE Select); coding-DNA position 7612, A replaced by G.
Protein change: p.Lys2538Glu; replaces lysine 2538 with glutamic acid.
Molecular consequence: missense variant.
Genome position (GRCh38, 1-based): chr15:48,421,645, T>C on the plus strand (A>G on the coding strand, the complement: FBN1 is on the minus strand). VCF-style: chr15-48421645-T-C. GRCh37 (hg19) VCF-style: chr15-48713842-T-C.
Other names: c.7612A>G, p.Lys2538Glu (NM_001406716.1); short protein forms K2538E.
Identifiers: ClinVar variation 5021584 (VCV005021584.1).